The following is an entry in ClinVar:

ClinVar aggregate classification (germline): Uncertain significance. Review status: criteria provided, multiple submitters, no conflicts (2 of 4 stars). 2 submissions from 2 submitters: Uncertain significance (2). Last evaluated 2024-11-25.

Conditions:
Ataxia-telangiectasia-like disorder (ATLD). Identifiers: MedGen C1858391, MONDO:0011457.
Hereditary cancer-predisposing syndrome. Also called: Neoplastic Syndromes, Hereditary; Tumor predisposition; Hereditary neoplastic syndrome; Hereditary Cancer Syndrome. Identifiers: Orphanet 140162, MedGen C0027672, MeSH D009386, MONDO:0015356.

Allele frequency attached by ClinVar (database versions not stated): gnomAD exomes below 0.00001; ExAC 0.00001.
gnomAD v4.1: 1 of 1,613,826 alleles (0.000062%); highest among the groups gnomAD compares: East Asian, 0.0022%; no homozygotes.

Submissions (2):

Ambry Genetics
Classification: Uncertain significance for Hereditary cancer-predisposing syndrome. Last evaluated: 2024-11-25. Review status: criteria provided, single submitter. Criteria: Ambry Variant Classification Scheme 2023. Collection method: clinical testing. Allele origin: germline.
Comment: The p.E77D variant (also known as c.231G>T), located in coding exon 3 of the MRE11A gene, results from a G to T substitution at nucleotide position 231. The glutamic acid at codon 77 is replaced by aspartic acid, an amino acid with highly similar properties. This amino acid position is conserved. In addition, this alteration is predicted to be tolerated by in silico analysis. Based on the available evidence, the clinical significance of this variant remains unclear.

Labcorp Genetics (formerly Invitae), Labcorp
Classification: Uncertain significance for Ataxia-telangiectasia-like disorder. Last evaluated: 2018-03-15. Review status: criteria provided, single submitter. Criteria: Invitae Variant Classification Sherloc (09022015). Collection method: clinical testing. Allele origin: germline.
Comment: In summary, the available evidence is currently insufficient to determine the role of this variant in disease. Therefore, it has been classified as a Variant of Uncertain Significance. Algorithms developed to predict the effect of missense changes on protein structure and function (SIFT, PolyPhen-2, Align-GVGD) all suggest that this variant is likely to be tolerated, but these predictions have not been confirmed by published functional studies and their clinical significance is uncertain. This variant has not been reported in the literature in individuals with MRE11-related disease. This variant is present in population databases (rs755553376, ExAC 0.01%). This sequence change replaces glutamic acid with aspartic acid at codon 77 of the MRE11 protein (p.Glu77Asp). The glutamic acid residue is moderately conserved and there is a small physicochemical difference between glutamic acid and aspartic acid.

NM_005591.4(MRE11):c.231G>T (p.Glu77Asp)

Gene: MRE11 (MRE11 double strand break repair nuclease; minus strand). Cytogenetic location: 11q21.
Variant type: single nucleotide variant.
Coding change: c.231G>T on transcript NM_005591.4 (MANE Select); coding-DNA position 231, G replaced by T.
Protein change: p.Glu77Asp; replaces glutamic acid 77 with aspartic acid.
Molecular consequence: missense variant.
Genome position (GRCh38, 1-based): chr11:94,486,007, C>A on the plus strand (G>T on the coding strand, the complement: MRE11 is on the minus strand). VCF-style: chr11-94486007-C-A. GRCh37 (hg19) VCF-style: chr11-94219173-C-A.
Other names: c.231G>T, p.Glu77Asp (NM_001330347.2, NM_005590.4); short protein forms E77D.
Identifiers: ClinVar variation 579800 (VCV000579800.11), dbSNP rs755553376, ClinGen allele CA6235437.